The following is an entry in ClinVar:

NM_001267550.2(TTN):c.11312-5266G>A

Gene: TTN (titin; minus strand). Cytogenetic location: 2q31.2.
Variant type: single nucleotide variant.
Coding change: c.11312-5266G>A on transcript NM_001267550.2 (MANE Select); 5266 bases into the intron before coding-DNA position 11312, G replaced by A.
Molecular consequence: intron variant. On other transcripts: synonymous variant (1).
Genome position (GRCh38, 1-based): chr2:178,747,187, C>T on the plus strand (G>A on the coding strand, the complement: TTN is on the minus strand). VCF-style: chr2-178747187-C-T. GRCh37 (hg19) VCF-style: chr2-179611914-C-T.
Other names: c.15213G>A, p.Glu5071= (NM_133379.5); c.10223-5266G>A (NM_003319.4); c.10799-5266G>A (NM_133437.4); c.10598-5266G>A (NM_133432.3); c.10360+5937G>A (NM_133378.4); c.10361-5266G>A (NM_001256850.1).
Identifiers: ClinVar variation 3055814 (VCV003055814.2), dbSNP rs1174562485, ClinGen allele CA538437945.

ClinVar aggregate classification (germline): Likely benign (0 of 4 stars; one submission).

Conditions:
TTN-related disorder. Also called: TTN-related condition; TTN-related disease; TTN-related disorders.

Allele frequency attached by ClinVar (database versions not stated): gnomAD exomes below 0.00001.
gnomAD v4.1: 2 of 1,608,740 alleles (0.00012%); highest among the groups gnomAD compares: Admixed American, 0.0017%; no homozygotes.

Submission:

PreventionGenetics, part of Exact Sciences
Classification: Likely benign for TTN-related condition. Last evaluated: 2021-07-28. Review status: no assertion criteria provided. Collection method: clinical testing. Allele origin: germline.
Comment: This variant is classified as likely benign based on ACMG/AMP sequence variant interpretation guidelines (Richards et al. 2015 PMID: 25741868, with internal and published modifications).